The following is an entry in ClinVar:

NM_017739.4(POMGNT1):c.1490G>A (p.Arg497Gln)

Genes: POMGNT1 (protein O-linked mannose N-acetylglucosaminyltransferase 1 (beta 1,2-); minus strand), TSPAN1 (tetraspanin 1; plus strand). Cytogenetic location: 1p34.1.
Variant type: single nucleotide variant.
Coding change: c.1490G>A on transcript NM_017739.4 (MANE Select); coding-DNA position 1490, G replaced by A.
Protein change: p.Arg497Gln; replaces arginine 497 with glutamine.
Molecular consequence: missense variant.
Genome position (GRCh38, 1-based): chr1:46,192,147, C>T on the plus strand (G>A on the coding strand, the complement: POMGNT1 is on the minus strand). VCF-style: chr1-46192147-C-T. GRCh37 (hg19) VCF-style: chr1-46657819-C-T.
Other names: NM_017739.4(POMGNT1):c.1490G>A; c.1490G>A, p.Arg497Gln (NM_001243766.2, NM_001410783.1); c.1424G>A, p.Arg475Gln (NM_001290129.3); c.1061G>A, p.Arg354Gln (NM_001290130.2); short protein forms R497Q, R354Q, R475Q.
Identifiers: ClinVar variation 167526 (VCV000167526.13), dbSNP rs573518562, ClinGen allele CA234712.

ClinVar aggregate classification (germline): Conflicting classifications of pathogenicity. Review status: criteria provided, conflicting classifications (1 of 4 stars). 7 submissions from 7 submitters: Likely pathogenic (2); Uncertain significance (5). Last evaluated 2024-04-10.

Conditions:
Inborn genetic diseases. Identifiers: MedGen C0950123, MeSH D030342.
Muscular dystrophy-dystroglycanopathy (congenital with impaired intellectual development), type B, 3. Also called: Muscular dystrophy-dystroglycanopathy (congenital with intellectual disability), type B3; MUSCULAR DYSTROPHY, CONGENITAL, POMGNT1-RELATED. Identifiers: MedGen C3150412, MONDO:0013155, OMIM 613151.
Autosomal recessive limb-girdle muscular dystrophy type 2O. Also called: MUSCULAR DYSTROPHY-DYSTROGLYCANOPATHY (LIMB-GIRDLE), TYPE C, 3; Limb-Girdle Muscular Dystrophy Type 3C; MUSCULAR DYSTROPHY-DYSTROGLYCANOPATHY, LIMB-GIRDLE, POMGNT1-RELATED. Identifiers: Orphanet 206564, MedGen C3150417, MONDO:0013161, OMIM 613157.
Retinitis pigmentosa 76 (RP76). Identifiers: MedGen C4310704, MONDO:0014929, OMIM 617123.
Muscular dystrophy-dystroglycanopathy (congenital with brain and eye anomalies), type A3. Also called: Muscular dystrophy-dystroglycanopathy (congenital with brain and eye anomalies), type A, 3; Congenital muscular dystrophy-dystroglycanopathy with brain and eye anomalies, type A3; WALKER-WARBURG SYNDROME OR MUSCLE-EYE-BRAIN DISEASE, POMGNT1-RELATED. Identifiers: MedGen C3151519, MONDO:0009667, OMIM 253280.
Muscular dystrophy-dystroglycanopathy. Also called: Congenital muscular dystrophy due to dystroglycanopathy. Identifiers: Orphanet 370953, MedGen C5679911, MONDO:0018276.
Retinal dystrophy. Also called: Inherited retinal dystrophy. Identifiers: Orphanet 71862, MedGen C0854723, MeSH D058499, MONDO:0019118, HP:0000556.

Allele frequency attached by ClinVar (database versions not stated): ExAC 0.00001; 1000 Genomes Project 30x 0.00016; 1000 Genomes Project 0.00020; gnomAD 0.00001; gnomAD exomes 0.00001.
gnomAD v4.1: 16 of 1,613,994 alleles (0.00099%); highest among the groups gnomAD compares: South Asian, 0.0099%; no homozygotes.

Submissions (7):

Fulgent Genetics
Classification: Likely pathogenic for Muscular dystrophy-dystroglycanopathy (congenital with brain and eye anomalies), type A3; Muscular dystrophy-dystroglycanopathy (congenital with impaired intellectual development), type B, 3; Autosomal recessive limb-girdle muscular dystrophy type 2O; Retinitis pigmentosa 76. Last evaluated: 2024-04-10. Review status: criteria provided, single submitter. Criteria: ACMG Guidelines, 2015. Collection method: clinical testing. Allele origin: germline.

Dept Of Ophthalmology, Nagoya University
Classification: Uncertain significance for Retinal dystrophy. Last evaluated: 2023-10-01. Review status: criteria provided, single submitter. Criteria: Submitter's publication. Collection method: research. Allele origin: germline. Affected: yes.

Broad Center for Mendelian Genomics, Broad Institute of MIT and Harvard
Classification: Uncertain significance for Muscular dystrophy-dystroglycanopathy. Last evaluated: 2023-01-24. Review status: criteria provided, single submitter. Criteria: ACMG Guidelines, 2015. Collection method: curation. Allele origin: germline. Inheritance: Autosomal recessive inheritance.
Comment: The p.Arg497Gln variant in POMGNT1 has been previously reported in the literature in one individual, in the homozygous state, with POMGNT1-associated muscular dystrophy-dystroglycanopathy (PMID: 29096039), and has been identified in 0.007% (2/30614) South Asian chromosomes by the Genome Aggregation Database (gnomAD; dbSNP ID: rs573518562). Although this variant has been seen in the general population in a heterozygous state, its frequency is low enough to be consistent with a recessive carrier frequency. This variant has also been reported in ClinVar (Variation ID#:167526) as likely pathogenic by Ambry Genetics and as a variant of uncertain significance by Eurofins NTD LLC (GA). Computational prediction tools and conservation analyses suggest that this variant may impact the protein, though this information is not predictive enough to determine pathogenicity. In summary, the clinical significance of the p.Arg497Gln variant is uncertain. ACMG/AMP Criteria applied: PM2_Supporting, PM3_Supporting, PP3 (Richards 2015).

Labcorp Genetics (formerly Invitae), Labcorp
Classification: Uncertain significance for Autosomal recessive limb-girdle muscular dystrophy type 2O; Muscular dystrophy-dystroglycanopathy (congenital with impaired intellectual development), type B, 3. Last evaluated: 2021-09-01. Review status: criteria provided, single submitter. Criteria: Invitae Variant Classification Sherloc (09022015). Collection method: clinical testing. Allele origin: germline.
Comment: This sequence change replaces arginine with glutamine at codon 497 of the POMGNT1 protein (p.Arg497Gln). The arginine residue is highly conserved and there is a small physicochemical difference between arginine and glutamine. This variant is present in population databases (rs573518562, ExAC 0.001%). This missense change has been observed in individual(s) with clinical features of ventriculomegaly (PMID: 29096039). It has also been observed to segregate with disease in related individuals. ClinVar contains an entry for this variant (Variation ID: 167526). Algorithms developed to predict the effect of missense changes on protein structure and function (SIFT, PolyPhen-2, Align-GVGD) all suggest that this variant is likely to be disruptive. In summary, the available evidence is currently insufficient to determine the role of this variant in disease. Therefore, it has been classified as a Variant of Uncertain Significance.

Blueprint Genetics
Classification: Uncertain significance. Last evaluated: 2021-03-22. Review status: criteria provided, single submitter. Criteria: ACMG Guidelines, 2015. Collection method: clinical testing. Allele origin: germline.

Ambry Genetics
Classification: Likely pathogenic for Inborn genetic diseases. Last evaluated: 2016-11-02. Review status: criteria provided, single submitter. Criteria: Ambry exome assertion method (8-5-2015). Collection method: clinical testing. Allele origin: germline. Affected: yes. Observed: 1 variant allele.

Eurofins Ntd Llc (ga)
Classification: Uncertain significance. Last evaluated: 2014-03-19. Review status: criteria provided, single submitter. Criteria: EGL Classification Definitions 2015. Collection method: clinical testing. Allele origin: germline. Observed: 3 variant alleles, 2 heterozygotes, 1 homozygote.

Literature cited by the submitters: PubMed 29096039 (cited by Labcorp Genetics (formerly Invitae), Labcorp); PubMed 27493216 (cited by Ambry Genetics); PubMed 22819665 (cited by Ambry Genetics).